The following is an entry in ClinVar:

NM_006662.3(SRCAP):c.974G>A (p.Arg325His)

Gene: SRCAP (Snf2 related CREBBP activator protein; plus strand). Cytogenetic location: 16p11.2.
Variant type: single nucleotide variant.
Coding change: c.974G>A on transcript NM_006662.3 (MANE Select); coding-DNA position 974, G replaced by A.
Protein change: p.Arg325His; replaces arginine 325 with histidine.
Molecular consequence: missense variant.
Genome position (GRCh38, 1-based): chr16:30,709,968, G>A. VCF-style: chr16-30709968-G-A. GRCh37 (hg19) VCF-style: chr16-30721289-G-A.
Other names: short protein forms R325H.
Identifiers: ClinVar variation 2694590 (VCV002694590.3), dbSNP rs770702011, ClinGen allele CA395602542.

ClinVar aggregate classification (germline): Uncertain significance (1 of 4 stars; one submission).

Allele frequency attached by ClinVar (database versions not stated): gnomAD 0.00001.
gnomAD v4.1: 2 of 1,614,062 alleles (0.00012%); highest among the groups gnomAD compares: Non-Finnish European, 0.000085%; no homozygotes.

Submission:

Labcorp Genetics (formerly Invitae), Labcorp
Classification: Uncertain significance. Last evaluated: 2023-11-25. Review status: criteria provided, single submitter. Criteria: Invitae Variant Classification Sherloc (09022015). Collection method: clinical testing. Allele origin: germline.
Comment: This sequence change replaces arginine, which is basic and polar, with histidine, which is basic and polar, at codon 325 of the SRCAP protein (p.Arg325His). This variant is not present in population databases (gnomAD no frequency). This variant has not been reported in the literature in individuals affected with SRCAP-related conditions. Advanced modeling of protein sequence and biophysical properties (such as structural, functional, and spatial information, amino acid conservation, physicochemical variation, residue mobility, and thermodynamic stability) performed at Invitae indicates that this missense variant is not expected to disrupt SRCAP protein function with a negative predictive value of 80%. In summary, the available evidence is currently insufficient to determine the role of this variant in disease. Therefore, it has been classified as a Variant of Uncertain Significance.